The following is an entry in ClinVar:

NM_201384.3(PLEC):c.11242G>C (p.Val3748Leu)

Gene: PLEC (plectin; minus strand). Cytogenetic location: 8q24.3.
Variant type: single nucleotide variant.
Coding change: c.11242G>C on transcript NM_201384.3 (MANE Select); coding-DNA position 11242, G replaced by C.
Protein change: p.Val3748Leu; replaces valine 3748 with leucine.
Molecular consequence: missense variant.
Genome position (GRCh38, 1-based): chr8:143,918,579, C>G on the plus strand (G>C on the coding strand, the complement: PLEC is on the minus strand). VCF-style: chr8-143918579-C-G. GRCh37 (hg19) VCF-style: chr8-144992747-C-G.
Other names: c.11323G>C, p.Val3775Leu (NM_000445.5); c.7942G>C, p.Val2648Leu (NM_001410941.1); c.11200G>C, p.Val3734Leu (NM_201378.4); c.11176G>C, p.Val3726Leu (NM_201379.3); c.11653G>C, p.Val3885Leu (NM_201380.4); c.11146G>C, p.Val3716Leu (NM_201381.3); c.11242G>C, p.Val3748Leu (NM_201382.4); c.11254G>C, p.Val3752Leu (NM_201383.3); short protein forms V2648L, V3716L, V3726L, V3734L, V3748L, V3752L, V3775L, V3885L.
Identifiers: ClinVar variation 4537042 (VCV004537042.1).

ClinVar aggregate classification (germline): Uncertain significance (1 of 4 stars; one submission).

gnomAD v4.1: 1 of 1,612,008 alleles (0.000062%); highest among the groups gnomAD compares: Admixed American, 0.0017%; no homozygotes.

Submission:

Women's Health and Genetics/Laboratory Corporation of America, LabCorp
Classification: Uncertain significance. Last evaluated: 2025-11-26. Review status: criteria provided, single submitter. Criteria: LabCorp Variant Classification Summary - May 2015. Collection method: clinical testing. Allele origin: germline.
Comment: Variant summary: PLEC c.11323G>C (p.Val3775Leu) results in a conservative amino acid change in the encoded protein sequence. Algorithms developed to predict the effect of missense changes on protein structure and function are either unavailable or do not agree on the potential impact of this missense change. The variant was absent in 242010 control chromosomes. The available data on variant occurrences in the general population are insufficient to allow any conclusion about variant significance. To our knowledge, no occurrence of c.11323G>C in individuals affected with PLEC-related conditions and no experimental evidence demonstrating its impact on protein function have been reported. No submitters have cited clinical-significance assessments for this variant to ClinVar. Based on the evidence outlined above, the variant was classified as uncertain significance.